The following is an entry in ClinVar:

ClinVar aggregate classification (germline): Uncertain significance (1 of 4 stars; one submission).

Conditions:
Intellectual disability, CASK-related, X-linked. Identifiers: MedGen CN043158.

Submission:

Labcorp Genetics (formerly Invitae), Labcorp
Classification: Uncertain significance for Intellectual disability, CASK-related, X-linked. Last evaluated: 2024-12-22. Review status: criteria provided, single submitter. Criteria: Invitae Variant Classification Sherloc (09022015). Collection method: clinical testing. Allele origin: germline.
Comment: This variant, c.29_49del, results in the deletion of 7 amino acid(s) of the CASK protein (p.Asp10_Glu16del), but otherwise preserves the integrity of the reading frame. This variant is not present in population databases (gnomAD no frequency). This variant has not been reported in the literature in individuals affected with CASK-related conditions. Experimental studies and prediction algorithms are not available or were not evaluated, and the functional significance of this variant is currently unknown. In summary, the available evidence is currently insufficient to determine the role of this variant in disease. Therefore, it has been classified as a Variant of Uncertain Significance.

NM_001367721.1(CASK):c.29_49del (p.Asp10_Glu16del)

Gene: CASK (calcium/calmodulin dependent serine protein kinase; minus strand). Cytogenetic location: Xp11.4.
Variant type: Deletion.
Coding change: c.29_49del on transcript NM_001367721.1 (MANE Select); coding-DNA positions 29 to 49, 21 bases deleted (ATGTGTACGAGCTGTGCGAGG).
Protein change: p.Asp10_Glu16del.
Genome position (GRCh38, 1-based): chrX:41,922,940-41,922,960, CCTCGCACAGCTCGTACACAT deleted on the plus strand (ATGTGTACGAGCTGTGCGAGG on the coding strand, the reverse complement: CASK is on the minus strand); deleting any 21 consecutive bases within chrX:41,922,940-41,922,965 gives the same sequence; the c. name uses the placement nearest the transcript's 3' end. VCF-style (leftmost placement, unchanged base first): chrX-41922939-ACCTCGCACAGCTCGTACACAT-A. GRCh37 (hg19) VCF-style: chrX-41782192-ACCTCGCACAGCTCGTACACAT-A.
Other names: c.29_49del, p.Asp10_Glu16del (NM_001126054.3, NM_001126055.3, NM_001410745.1 and 1 more transcripts).
Identifiers: ClinVar variation 3727761 (VCV003727761.2).
Genomic context (GRCh38, chrX:41,922,939, plus strand): 5'-ATCACTGAAATGCATTTTTCCACACTCCCGCTCCCTCGCGTGGAGACTCACTTTCCGATC[ACCTCGCACAGCTCGTACACAT>A]CCTCGAACAGCACGTCGTCGTCGGCCATGGTCCGGAGGGGATAGCGGCCGCAGCGTGGAG-3'